The following is an entry in ClinVar:

ClinVar aggregate classification (germline): Uncertain significance. Review status: criteria provided, multiple submitters, no conflicts (2 of 4 stars). 2 submissions from 2 submitters: Uncertain significance (2). Last evaluated 2025-11-25.

Conditions:
Hereditary cancer-predisposing syndrome. Also called: Hereditary Cancer Syndrome; Neoplastic Syndromes, Hereditary; Hereditary neoplastic syndrome; Tumor predisposition. Identifiers: Orphanet 140162, MedGen C0027672, MeSH D009386, MONDO:0015356.
Cardiovascular phenotype. Identifiers: MedGen CN230736.
Neurofibromatosis, type 1 (NF1). Also called: Peripheral type neurofibromatosis; Neurofibromatosis, type I; NEUROFIBROMATOSIS, TYPE I, SOMATIC; VON RECKLINGHAUSEN DISEASE. Identifiers: Orphanet 636, MedGen C0027831, MONDO:0018975, OMIM 162200. Disease mechanism: loss of function.

Submissions (2):

Ambry Genetics
Classification: Uncertain significance for Cardiovascular phenotype; Hereditary cancer-predisposing syndrome. Last evaluated: 2025-11-25. Review status: criteria provided, single submitter. Criteria: Ambry Variant Classification Scheme 2023. Collection method: clinical testing. Allele origin: germline.
Comment: The p.L704V variant (also known as c.2110C>G), located in coding exon 18 of the NF1 gene, results from a C to G substitution at nucleotide position 2110. The leucine at codon 704 is replaced by valine, an amino acid with highly similar properties. This amino acid position is highly conserved in available vertebrate species. In addition, the in silico prediction for this alteration is inconclusive. Based on the available evidence, the clinical significance of this variant remains unclear.

Labcorp Genetics (formerly Invitae), Labcorp
Classification: Uncertain significance for Neurofibromatosis, type 1. Last evaluated: 2025-10-16. Review status: criteria provided, single submitter. Criteria: Invitae Variant Classification Sherloc (09022015). Collection method: clinical testing. Allele origin: germline.
Comment: This sequence change replaces leucine, which is neutral and non-polar, with valine, which is neutral and non-polar, at codon 704 of the NF1 protein (p.Leu704Val). This variant is not present in population databases (gnomAD no frequency). This variant has not been reported in the literature in individuals affected with NF1-related conditions. ClinVar contains an entry for this variant (Variation ID: 820743). Invitae Evidence Modeling of protein sequence and biophysical properties (such as structural, functional, and spatial information, amino acid conservation, physicochemical variation, residue mobility, and thermodynamic stability) indicates that this missense variant is not expected to disrupt NF1 protein function with a negative predictive value of 95%. In summary, the available evidence is currently insufficient to determine the role of this variant in disease. Therefore, it has been classified as a Variant of Uncertain Significance.

NM_001042492.3(NF1):c.2110C>G (p.Leu704Val)

Gene: NF1 (neurofibromin 1; plus strand). Cytogenetic location: 17q11.2.
Variant type: single nucleotide variant.
Coding change: c.2110C>G on transcript NM_001042492.3 (MANE Select); coding-DNA position 2110, C replaced by G.
Protein change: p.Leu704Val; replaces leucine 704 with valine.
Molecular consequence: missense variant.
Genome position (GRCh38, 1-based): chr17:31,226,543, C>G. VCF-style: chr17-31226543-C-G. GRCh37 (hg19) VCF-style: chr17-29553561-C-G.
Other names: c.2110C>G, p.Leu704Val (NM_000267.4); short protein forms L704V.
Identifiers: ClinVar variation 820743 (VCV000820743.6), dbSNP rs1597712521, ClinGen allele CA398982278.